The following is an entry in ClinVar:

ClinVar aggregate classification (germline): Uncertain significance (1 of 4 stars; one submission).

Conditions:
Cardiovascular phenotype. Identifiers: MedGen CN230736.

Submission:

Ambry Genetics
Classification: Uncertain significance for Cardiovascular phenotype. Last evaluated: 2016-04-25. Review status: criteria provided, single submitter. Criteria: Ambry Variant Classification Scheme 2023. Collection method: clinical testing. Allele origin: germline.
Comment: The p.S77N variant (also known as c.230G>A), located in coding exon 2 of the LDB3 gene, results from a G to A substitution at nucleotide position 230. The serine at codon 77 is replaced by asparagine, an amino acid with highly similar properties. This variant was not reported in population based cohorts in the following databases: Database of Single Nucleotide Polymorphisms (dbSNP), NHLBI Exome Sequencing Project (ESP), and 1000 Genomes Project. In the ESP, this variant was not observed in 6503 samples (13006 alleles) with coverage at this position. This amino acid position is not well conserved in available vertebrate species, and asparagine is the reference amino acid in other vertebrate species. In addition, this alteration is predicted to be tolerated by in silico analysis. Since supporting evidence is limited at this time, the clinical significance of this alteration remains unclear.

NM_007078.3(LDB3):c.230G>A (p.Ser77Asn)

Gene: LDB3 (LIM domain binding 3; plus strand). Cytogenetic location: 10q23.2.
Variant type: single nucleotide variant.
Coding change: c.230G>A on transcript NM_007078.3 (MANE Select); coding-DNA position 230, G replaced by A.
Protein change: p.Ser77Asn; replaces serine 77 with asparagine.
Molecular consequence: missense variant.
Genome position (GRCh38, 1-based): chr10:86,679,503, G>A. VCF-style: chr10-86679503-G-A. GRCh37 (hg19) VCF-style: chr10-88439260-G-A.
Other names: c.230G>A, p.Ser77Asn (NM_001080114.2, NM_001080115.2, NM_001080116.1 and 8 more transcripts); short protein forms S77N.
Identifiers: ClinVar variation 518909 (VCV000518909.5), dbSNP rs1554849117, ClinGen allele CA377451520.
Genomic context (GRCh38, chr10:86,679,503, plus strand): 5'-CAGACACCATGACCCACCTGGAAGCCCAGAACAAGATCAAGTCTGCCAGCTACAACTTGA[G>A]CCTCACCCTGCAGAAGTAGGTGGGAGCTCTCCAGAGCAGGGGGCGGAGGTTTGGGTGTGG-3'
Protein context (NP_009009.1, residues 67-87): NKIKSASYNL[Ser77Asn]LTLQKSKRPI